The following is an entry in ClinVar:

NM_024334.3(TMEM43):c.337G>A (p.Val113Met)

Gene: TMEM43 (transmembrane protein 43; plus strand). Cytogenetic location: 3p25.1.
Variant type: single nucleotide variant.
Coding change: c.337G>A on transcript NM_024334.3 (MANE Select); coding-DNA position 337, G replaced by A.
Protein change: p.Val113Met; replaces valine 113 with methionine.
Molecular consequence: missense variant.
Genome position (GRCh38, 1-based): chr3:14,131,619, G>A. VCF-style: chr3-14131619-G-A. GRCh37 (hg19) VCF-style: chr3-14173119-G-A.
Other names: p.V113M:GTG>ATG; short protein forms V113M.
Identifiers: ClinVar variation 202128 (VCV000202128.18), dbSNP rs572474708, ClinGen allele CA024660.

ClinVar aggregate classification (germline): Conflicting classifications of pathogenicity. Review status: criteria provided, conflicting classifications (1 of 4 stars). 7 submissions from 7 submitters: Uncertain significance (4); Likely benign (3). Last evaluated 2025-12-21.

Conditions:
Cardiovascular phenotype. Identifiers: MedGen CN230736.
Cardiomyopathy (CMYO). Also called: Cardiomyopathies. Identifiers: Orphanet 167848, MedGen C0878544, MONDO:0004994, HP:0001638. Inheritance: Various modes of inheritance.
Arrhythmogenic right ventricular dysplasia 5. Also called: ARRHYTHMOGENIC RIGHT VENTRICULAR DYSPLASIA, FAMILIAL, 5; Arrhythmogenic Right Ventricular Dysplasia/Cardiomyopathy 5. Identifiers: MedGen C1858379, MONDO:0011459, OMIM 604400.

Allele frequency attached by ClinVar (database versions not stated): gnomAD below 0.00001 and 0.00002; TOPMed 0.00001; ExAC 0.00004; gnomAD exomes 0.00004.
gnomAD v4.1: 49 of 1,614,238 alleles (0.003%); highest among the groups gnomAD compares: South Asian, 0.053%; no homozygotes.

Submissions (7):

Ambry Genetics
Classification: Likely benign for Cardiovascular phenotype. Last evaluated: 2025-12-21. Review status: criteria provided, single submitter. Criteria: Ambry Variant Classification Scheme 2023. Collection method: clinical testing. Allele origin: germline.

Labcorp Genetics (formerly Invitae), Labcorp
Classification: Uncertain significance for Arrhythmogenic right ventricular dysplasia 5. Last evaluated: 2025-11-26. Review status: criteria provided, single submitter. Criteria: Invitae Variant Classification Sherloc (09022015). Collection method: clinical testing. Allele origin: germline.
Comment: This sequence change replaces valine, which is neutral and non-polar, with methionine, which is neutral and non-polar, at codon 113 of the TMEM43 protein (p.Val113Met). This variant is present in population databases (rs572474708, gnomAD 0.04%). This variant has not been reported in the literature in individuals affected with TMEM43-related conditions. ClinVar contains an entry for this variant (Variation ID: 202128). Invitae Evidence Modeling of protein sequence and biophysical properties (such as structural, functional, and spatial information, amino acid conservation, physicochemical variation, residue mobility, and thermodynamic stability) indicates that this missense variant is not expected to disrupt TMEM43 protein function with a negative predictive value of 80%. In summary, the available evidence is currently insufficient to determine the role of this variant in disease. Therefore, it has been classified as a Variant of Uncertain Significance.

Blueprint Genetics
Classification: Likely benign. Last evaluated: 2021-10-19. Review status: criteria provided, single submitter. Criteria: ACMG Guidelines, 2015. Collection method: clinical testing. Allele origin: germline.

Color Diagnostics, LLC DBA Color Health
Classification: Likely benign for Cardiomyopathy. Last evaluated: 2020-04-27. Review status: criteria provided, single submitter. Criteria: ACMG Guidelines, 2015. Collection method: clinical testing. Allele origin: germline.

Revvity Omics, Revvity
Classification: Uncertain significance. Last evaluated: 2019-07-17. Review status: criteria provided, single submitter. Criteria: ACMG Guidelines, 2015. Collection method: clinical testing. Allele origin: germline.

GeneDx
Classification: Uncertain significance. Last evaluated: 2017-07-17. Review status: criteria provided, single submitter. Criteria: GeneDx Variant Classification (06012015). Collection method: clinical testing. Allele origin: germline. Affected: yes.
Comment: p.Val113Met (GTG>ATG): c.337 G>A in exon 4 of the TMEM43 gene (NM_024334.2). The Val113Met variant in the TMEM43 gene has not been reported as a disease-causing mutation or as a benign polymorphism to our knowledge. Val113Met results in a conservative amino acid substitution of one non-polar amino acid residue for another at a position that is well conserved across species. In silico analysis predicts Val113Met is probably damaging to the protein structure/function. The Val113Met variant was not observed in approximately 6,500 individuals of European and African American ancestry in the NHLBI Exome Sequencing Project, indicating it is not a common benign variant in these populations. However, no mutations in nearby residues have been reported in association with ARVC, indicating this region of the protein may be tolerant of change.With the clinical and molecular information available at this time, we cannot definitively determine if Val113Met is a disease-causing mutation or a rare benign variant. The variant is found in ARRHYTHMIA panel(s).

Stanford Center for Inherited Cardiovascular Disease, Stanford University
Classification: Uncertain significance. Last evaluated: 2013-11-25. Review status: criteria provided, single submitter. Criteria: ACMG Guidelines, 2015. Collection method: provider interpretation. Allele origin: germline.